The following is an entry in ClinVar:

NM_138792.4(LEO1):c.5C>T (p.Ala2Val)

Gene: LEO1 (LEO1 component of Paf1/RNA polymerase II complex; minus strand). Cytogenetic location: 15q21.2.
Variant type: single nucleotide variant.
Coding change: c.5C>T on transcript NM_138792.4 (MANE Select); coding-DNA position 5, C replaced by T.
Protein change: p.Ala2Val; replaces alanine 2 with valine.
Molecular consequence: missense variant.
Genome position (GRCh38, 1-based): chr15:51,971,741, G>A on the plus strand (C>T on the coding strand, the complement: LEO1 is on the minus strand). VCF-style: chr15-51971741-G-A. GRCh37 (hg19) VCF-style: chr15-52263938-G-A.
Other names: c.5C>T, p.Ala2Val (NM_001286430.2, NM_001323903.2, NM_001323904.2 and 2 more transcripts); short protein forms A2V.
Identifiers: ClinVar variation 5009092 (VCV005009092.1).
Genomic context (GRCh38, chr15:51,971,741, plus strand): 5'-AACCCACCTTTACGCTCAGCTTCGCTGTCGGCGTCGCTCCCGAAGAGATCCTCCATATCC[G>A]CCATTATCGCTCACGTCCGCTGCTGCCTCGGTTAGGGGCAGCTCCCGGCCTCTCTTTACG-3'
Protein context (NP_620147.1, residues 1-12): M[Ala2Val]DMEDLFGSDA

ClinVar aggregate classification (germline): Uncertain significance (1 of 4 stars; one submission).

gnomAD v4.1: 1 of 1,614,080 alleles (0.000062%); highest among the groups gnomAD compares: Non-Finnish European, 0.000085%; no homozygotes.

Submission:

GeneDx
Classification: Uncertain significance. Last evaluated: 2026-03-12. Review status: criteria provided, single submitter. Criteria: GeneDx Variant Classification Process June 2021. Collection method: clinical testing. Allele origin: germline.
Comment: Not observed at significant frequency in large population cohorts (gnomAD); In silico analysis suggests that this missense variant does not alter protein structure/function; Has not been previously published as pathogenic or benign to our knowledge